The following is an entry in ClinVar:

ClinVar aggregate classification (germline): Uncertain significance. Review status: criteria provided, multiple submitters, no conflicts (2 of 4 stars). 2 submissions from 2 submitters: Uncertain significance (2). Last evaluated 2024-07-14.

Conditions:
Cardiovascular phenotype. Identifiers: MedGen CN230736.
Primary dilated cardiomyopathy (DCM). Also called: Dilated Cardiomyopathy. Identifiers: Orphanet 217604, MedGen C0007193, MeSH D002311, MONDO:0005021, HP:0001644. Inheritance: Various modes of inheritance.

Allele frequency attached by ClinVar (database versions not stated): gnomAD 0.00001; TOPMed 0.00001.

Submissions (2):

Ambry Genetics
Classification: Uncertain significance for Cardiovascular phenotype. Last evaluated: 2024-07-14. Review status: criteria provided, single submitter. Criteria: Ambry Variant Classification Scheme 2023. Collection method: clinical testing. Allele origin: germline.
Comment: The p.M390R variant (also known as c.1169T>G), located in coding exon 13 of the TXNRD2 gene, results from a T to G substitution at nucleotide position 1169. The methionine at codon 390 is replaced by arginine, an amino acid with similar properties. This amino acid position is highly conserved in available vertebrate species. In addition, this alteration is predicted to be deleterious by in silico analysis. Since supporting evidence is limited at this time, the clinical significance of this alteration remains unclear.

Labcorp Genetics (formerly Invitae), Labcorp
Classification: Uncertain significance for Primary dilated cardiomyopathy. Last evaluated: 2023-04-25. Review status: criteria provided, single submitter. Criteria: Invitae Variant Classification Sherloc (09022015). Collection method: clinical testing. Allele origin: germline.
Comment: In summary, the available evidence is currently insufficient to determine the role of this variant in disease. Therefore, it has been classified as a Variant of Uncertain Significance. Advanced modeling of protein sequence and biophysical properties (such as structural, functional, and spatial information, amino acid conservation, physicochemical variation, residue mobility, and thermodynamic stability) performed at Invitae indicates that this missense variant is not expected to disrupt TXNRD2 protein function. ClinVar contains an entry for this variant (Variation ID: 1509038). This variant has not been reported in the literature in individuals affected with TXNRD2-related conditions. This variant is not present in population databases (gnomAD no frequency). This sequence change replaces methionine, which is neutral and non-polar, with arginine, which is basic and polar, at codon 390 of the TXNRD2 protein (p.Met390Arg).

NM_006440.5(TXNRD2):c.1169T>G (p.Met390Arg)

Gene: TXNRD2 (thioredoxin reductase 2; minus strand). Cytogenetic location: 22q11.21.
Variant type: single nucleotide variant.
Coding change: c.1169T>G on transcript NM_006440.5 (MANE Select); coding-DNA position 1169, T replaced by G.
Protein change: p.Met390Arg; replaces methionine 390 with arginine.
Molecular consequence: missense variant. On other transcripts: non-coding transcript variant (1).
Genome position (GRCh38, 1-based): chr22:19,880,635, A>C on the plus strand (T>G on the coding strand, the complement: TXNRD2 is on the minus strand). VCF-style: chr22-19880635-A-C. GRCh37 (hg19) VCF-style: chr22-19868158-A-C.
Other names: c.1166T>G, p.Met389Arg (NM_001352300.2); c.1079T>G, p.Met360Arg (NM_001352301.2); c.881T>G, p.Met294Arg (NM_001352302.2); short protein forms M389R, M390R, M294R, M360R.
Identifiers: ClinVar variation 1509038 (VCV001509038.9), dbSNP rs758236709, ClinGen allele CA410681909.